The following is an entry in ClinVar:

ClinVar aggregate classification (germline): Uncertain significance (1 of 4 stars; one submission).

Submission:

GeneDx
Classification: Uncertain significance. Last evaluated: 2023-05-14. Review status: criteria provided, single submitter. Criteria: GeneDx Variant Classification Process June 2021. Collection method: clinical testing. Allele origin: germline. Affected: yes.
Comment: Not observed at significant frequency in large population cohorts (gnomAD); Nonsense variant predicted to result in protein truncation or nonsense mediated decay in a gene or region of a gene for which loss of function is not a well-established mechanism of disease; Has not been previously published as pathogenic or benign to our knowledge

NM_000807.4(GABRA2):c.600C>A (p.Tyr200Ter)

Gene: GABRA2 (gamma-aminobutyric acid type A receptor subunit alpha2; minus strand). Cytogenetic location: 4p12.
Variant type: single nucleotide variant.
Coding change: c.600C>A on transcript NM_000807.4 (MANE Select); coding-DNA position 600, C replaced by A.
Protein change: p.Tyr200Ter; replaces tyrosine 200 with a stop codon.
Molecular consequence: nonsense.
Genome position (GRCh38, 1-based): chr4:46,305,671, G>T on the plus strand (C>A on the coding strand, the complement: GABRA2 is on the minus strand). VCF-style: chr4-46305671-G-T. GRCh37 (hg19) VCF-style: chr4-46307688-G-T.
Other names: c.600C>A, p.Tyr200Ter (NM_001114175.3, NM_001330690.2, NM_001377144.1 and 8 more transcripts); c.435C>A, p.Tyr145Ter (NM_001286827.3, NM_001377152.1, NM_001377153.1 and 1 more transcripts); short protein forms Y145*, Y200*.
Identifiers: ClinVar variation 2662240 (VCV002662240.1), dbSNP rs2475645432, ClinGen allele CA356798804.